The following is an entry in ClinVar:

ClinVar aggregate classification (germline): Uncertain significance (1 of 4 stars; one submission).

Conditions:
Cortical dysplasia, complex, with other brain malformations 13. Also called: Intellectual disability, autosomal dominant 13. Identifiers: MedGen C3281202, MONDO:0013805, OMIM 614563.

Submission:

3billion
Classification: Uncertain significance for Cortical dysplasia, complex, with other brain malformations 13. Last evaluated: 2025-01-22. Review status: criteria provided, single submitter. Criteria: ACMG Guidelines, 2015. Collection method: clinical testing. Allele origin: germline. Affected: yes.
Comment: The variant is not observed in the gnomAD v4.1.0 dataset. Predicted Consequence/Location: Missense variant. Missense changes are a common disease-causing mechanism. Therefore, this variant is classified as VUS according to the recommendation of ACMG/AMP guideline.

NM_001376.5(DYNC1H1):c.3968T>C (p.Leu1323Ser)

Gene: DYNC1H1 (dynein cytoplasmic 1 heavy chain 1; plus strand). Cytogenetic location: 14q32.31.
Variant type: single nucleotide variant.
Coding change: c.3968T>C on transcript NM_001376.5 (MANE Select); coding-DNA position 3968, T replaced by C.
Protein change: p.Leu1323Ser; replaces leucine 1323 with serine.
Molecular consequence: missense variant.
Genome position (GRCh38, 1-based): chr14:102,000,293, T>C. VCF-style: chr14-102000293-T-C. GRCh37 (hg19) VCF-style: chr14-102466630-T-C.
Other names: short protein forms L1323S.
Identifiers: ClinVar variation 4292683 (VCV004292683.1).